The following is an entry in ClinVar:

ClinVar aggregate classification (germline): Likely benign (0 of 4 stars; one submission).

Conditions:
SLC10A2-related disorder. Also called: SLC10A2-related condition.

Allele frequency attached by ClinVar (database versions not stated): gnomAD exomes below 0.00001.

Submission:

PreventionGenetics, part of Exact Sciences
Classification: Likely benign for SLC10A2-related condition. Last evaluated: 2023-07-12. Review status: no assertion criteria provided. Collection method: clinical testing. Allele origin: germline.
Comment: This variant is classified as likely benign based on ACMG/AMP sequence variant interpretation guidelines (Richards et al. 2015 PMID: 25741868, with internal and published modifications).

NM_000452.3(SLC10A2):c.*4dup

Gene: SLC10A2 (solute carrier family 10 member 2; minus strand). Cytogenetic location: 13q33.1.
Variant type: Duplication.
Coding change: c.*4dup on transcript NM_000452.3 (MANE Select); 4 bases downstream of the stop codon, one base duplicated (T; older notation c.*4dupT).
Molecular consequence: 3 prime UTR variant.
Genome position (GRCh38, 1-based): chr13:103,046,129, A duplicated on the plus strand (T on the coding strand, the reverse complement: SLC10A2 is on the minus strand). VCF-style (leftmost placement, unchanged base first): chr13-103046128-G-GA. GRCh37 (hg19) VCF-style: chr13-103698478-G-GA.
Identifiers: ClinVar variation 3045080 (VCV003045080.2), dbSNP rs2501805147, ClinGen allele CA2623618541.